The following is an entry in ClinVar:

NM_001376.5(DYNC1H1):c.11704G>A (p.Asp3902Asn)

Gene: DYNC1H1 (dynein cytoplasmic 1 heavy chain 1; plus strand). Cytogenetic location: 14q32.31.
Variant type: single nucleotide variant.
Coding change: c.11704G>A on transcript NM_001376.5 (MANE Select); coding-DNA position 11704, G replaced by A.
Protein change: p.Asp3902Asn; replaces aspartic acid 3902 with asparagine.
Molecular consequence: missense variant.
Genome position (GRCh38, 1-based): chr14:102,040,249, G>A. VCF-style: chr14-102040249-G-A. GRCh37 (hg19) VCF-style: chr14-102506586-G-A.
Other names: short protein forms D3902N.
Identifiers: ClinVar variation 3695240 (VCV003695240.2).

ClinVar aggregate classification (germline): Uncertain significance (1 of 4 stars; one submission).

Conditions:
Charcot-Marie-Tooth disease axonal type 2O. Also called: CHARCOT-MARIE-TOOTH NEUROPATHY, AXONAL, TYPE 2O; CHARCOT-MARIE-TOOTH DISEASE, AXONAL, AUTOSOMAL DOMINANT, TYPE 2O; Charcot-Marie-Tooth Neuropathy Type 2O; Charcot-Marie-Tooth disease, axonal, type 20. Identifiers: Orphanet 284232, MedGen C3280220, MONDO:0013644, OMIM 614228.

Submission:

Labcorp Genetics (formerly Invitae), Labcorp
Classification: Uncertain significance for Charcot-Marie-Tooth disease axonal type 2O. Last evaluated: 2024-09-26. Review status: criteria provided, single submitter. Criteria: Invitae Variant Classification Sherloc (09022015). Collection method: clinical testing. Allele origin: germline.
Comment: This sequence change replaces aspartic acid, which is acidic and polar, with asparagine, which is neutral and polar, at codon 3902 of the DYNC1H1 protein (p.Asp3902Asn). This variant is not present in population databases (gnomAD no frequency). This variant has not been reported in the literature in individuals affected with DYNC1H1-related conditions. Invitae Evidence Modeling of protein sequence and biophysical properties (such as structural, functional, and spatial information, amino acid conservation, physicochemical variation, residue mobility, and thermodynamic stability) indicates that this missense variant is not expected to disrupt DYNC1H1 protein function with a negative predictive value of 95%. In summary, the available evidence is currently insufficient to determine the role of this variant in disease. Therefore, it has been classified as a Variant of Uncertain Significance.